The following is an entry in ClinVar:

NM_007194.4(CHEK2):c.1240G>A (p.Gly414Arg)

Gene: CHEK2 (checkpoint kinase 2; minus strand). Cytogenetic location: 22q12.1.
Variant type: single nucleotide variant.
Coding change: c.1240G>A on transcript NM_007194.4 (MANE Select); coding-DNA position 1240, G replaced by A.
Protein change: p.Gly414Arg; replaces glycine 414 with arginine.
Molecular consequence: missense variant.
Genome position (GRCh38, 1-based): chr22:28,695,729, C>T on the plus strand (G>A on the coding strand, the complement: CHEK2 is on the minus strand). VCF-style: chr22-28695729-C-T. GRCh37 (hg19) VCF-style: chr22-29091717-C-T.
Other names: c.1369G>A, p.Gly457Arg (NM_001005735.3); c.577G>A, p.Gly193Arg (NM_001257387.3); c.1039G>A, p.Gly347Arg (NM_001349956.3); c.1153G>A, p.Gly385Arg (NM_145862.3); short protein forms G414R, G457R, G193R, G347R, G385R.
Identifiers: ClinVar variation 240734 (VCV000240734.20), dbSNP rs878854913, ClinGen allele CA10583899.
Genomic context (GRCh38, chr22:28,695,729, plus strand): 5'-CACCTCCTACCAGTCTGTGCAGCAATGAAAATATTTCTTACCAGATAAAAAGAATAACTC[C>T]TAAACTCCAGCAGTCCACAGCACGGTTATACCCAGCAGTCCCAACAGAAACAAGAACTTC-3'
Protein context (NP_009125.1, residues 404-424): YNRAVDCWSL[Gly414Arg]VILFICLSGY

ClinVar aggregate classification (germline): Uncertain significance. Review status: criteria provided, multiple submitters, no conflicts (2 of 4 stars). 3 submissions from 3 submitters: Uncertain significance (3). Last evaluated 2025-07-30.

Conditions:
Hereditary cancer-predisposing syndrome. Also called: Tumor predisposition; Neoplastic Syndromes, Hereditary; Hereditary Cancer Syndrome; Hereditary neoplastic syndrome. Identifiers: Orphanet 140162, MedGen C0027672, MeSH D009386, MONDO:0015356.
Familial cancer of breast. Also called: Hereditary breast cancer; BREAST CANCER, FAMILIAL; hereditary breast carcinoma. Identifiers: Orphanet 227535, MedGen C0346153, MONDO:0016419, OMIM 114480. Disease mechanism: loss of function.

Submissions (3):

Labcorp Genetics (formerly Invitae), Labcorp
Classification: Uncertain significance for Familial cancer of breast. Last evaluated: 2025-07-30. Review status: criteria provided, single submitter. Criteria: Invitae Variant Classification Sherloc (09022015). Collection method: clinical testing. Allele origin: germline.
Comment: This sequence change replaces glycine, which is neutral and non-polar, with arginine, which is basic and polar, at codon 414 of the CHEK2 protein (p.Gly414Arg). This variant is not present in population databases (gnomAD no frequency). This variant has not been reported in the literature in individuals affected with CHEK2-related conditions. ClinVar contains an entry for this variant (Variation ID: 240734). An algorithm developed to predict the effect of missense changes on protein structure and function (PolyPhen-2) suggests that this variant is likely to be disruptive. Experimental studies have shown that this missense change affects CHEK2 function (PMID: 34903604, 37449874). In summary, the available evidence is currently insufficient to determine the role of this variant in disease. Therefore, it has been classified as a Variant of Uncertain Significance.

Quest Diagnostics Nichols Institute San Juan Capistrano
Classification: Uncertain significance. Last evaluated: 2025-04-08. Review status: criteria provided, single submitter. Criteria: Quest Diagnostics criteria. Collection method: clinical testing. Allele origin: unknown.
Comment: The CHEK2 c.1240G>A (p.Gly414Arg) variant has been reported in the published literature in an individual with breast cancer (PMID: 37449874 (2023)). Experimental evidence indicates that this variant significantly disrupts protein function (PMID: 37449874 (2023)). This variant has not been reported in large, multi-ethnic general populations (Genome Aggregation Database). Analysis of this variant using bioinformatics tools for the prediction of the effect of amino acid changes on protein structure and function yielded predictions that this variant is damaging. Based on the available information, we are unable to determine the clinical significance of this variant.

Ambry Genetics
Classification: Uncertain significance for Hereditary cancer-predisposing syndrome. Last evaluated: 2024-09-30. Review status: criteria provided, single submitter. Criteria: Ambry Variant Classification Scheme 2023. Collection method: clinical testing. Allele origin: germline.
Comment: The p.G414R variant (also known as c.1240G>A), located in coding exon 10 of the CHEK2 gene, results from a G to A substitution at nucleotide position 1240. The glycine at codon 414 is replaced by arginine, an amino acid with dissimilar properties. This alteration was reported as functionally impaired in a study assessing CHEK2-complementation through quantification of KAP1 phosphorylation and CHK2 autophosphorylation in human RPE1-CHEK2-knockout cells (Stolarova L et al. Clin Cancer Res, 2023 Aug;29:3037-3050). This amino acid position is highly conserved in available vertebrate species. In addition, this alteration is predicted to be deleterious by in silico analysis. Based on the available evidence, the clinical significance of this variant remains unclear.

Literature cited by the submitters: PubMed 34903604 (cited by Labcorp Genetics (formerly Invitae), Labcorp and Quest Diagnostics Nichols Institute San Juan Capistrano); PubMed 37449874 (cited by 3 submitters); PubMed 32373528 (cited by Quest Diagnostics Nichols Institute San Juan Capistrano).